The following is an entry in ClinVar:

ClinVar aggregate classification (germline): Pathogenic (1 of 4 stars; one submission).

Conditions:
Amelocerebrohypohidrotic syndrome (KTZS). Also called: EPILEPSY AND YELLOW TEETH; EPILEPSY, DEMENTIA, AND AMELOGENESIS IMPERFECTA; KOHLSCHUTTER SYNDROME; Kohlschutter's syndrome. Identifiers: Orphanet 1946, MedGen C0406740, MONDO:0009185, OMIM 226750.

Submission:

Labcorp Genetics (formerly Invitae), Labcorp
Classification: Pathogenic for Amelocerebrohypohidrotic syndrome. Last evaluated: 2022-08-09. Review status: criteria provided, single submitter. Criteria: Invitae Variant Classification Sherloc (09022015). Collection method: clinical testing. Allele origin: germline.
Comment: This sequence change creates a premature translational stop signal (p.Glu104Leufs*40) in the ROGDI gene. It is expected to result in an absent or disrupted protein product. Loss-of-function variants in ROGDI are known to be pathogenic (PMID: 22424600, 23086778). This variant is not present in population databases (gnomAD no frequency). This variant has not been reported in the literature in individuals affected with ROGDI-related conditions. ClinVar contains an entry for this variant (Variation ID: 654553). For these reasons, this variant has been classified as Pathogenic.

Literature cited by the submitters: PubMed 22424600; PubMed 23086778.

NM_024589.3(ROGDI):c.302_308dup (p.Glu104fs)

Gene: ROGDI (rogdi atypical leucine zipper; minus strand). Cytogenetic location: 16p13.3.
Variant type: Duplication.
Coding change: c.302_308dup on transcript NM_024589.3 (MANE Select); coding-DNA positions 302 to 308, 7 bases duplicated (CCTTCCG; older notation c.302_308dupCCTTCCG).
Protein change: p.Glu104fs; shifts the reading frame from glutamic acid 104.
Molecular consequence: frameshift variant. On other transcripts: non-coding transcript variant (1).
Genome position (GRCh38, 1-based): chr16:4,800,526-4,800,532, CGGAAGG duplicated on the plus strand (CCTTCCG on the coding strand, the reverse complement: ROGDI is on the minus strand); duplicating any 7 consecutive bases within chr16:4,800,526-4,800,534 gives the same sequence; the c. name uses the placement nearest the transcript's 3' end. VCF-style (leftmost placement, unchanged base first): chr16-4800525-C-CCGGAAGG. GRCh37 (hg19) VCF-style: chr16-4850526-C-CCGGAAGG.
Other names: c.302_308dupCCTTCCG (NM_024589.2); short protein forms E104fs.
Identifiers: ClinVar variation 654553 (VCV000654553.6), dbSNP rs1596277148, ClinGen allele CA915949107.